The following is an entry in ClinVar:

NM_001134793.2(HYLS1):c.547G>A (p.Glu183Lys)

Genes: HYLS1 (HYLS1 centriolar and ciliogenesis associated; plus strand), PUS3 (pseudouridine synthase 3; minus strand). Cytogenetic location: 11q24.2.
Variant type: single nucleotide variant.
Coding change: c.547G>A on transcript NM_001134793.2 (MANE Select); coding-DNA position 547, G replaced by A.
Protein change: p.Glu183Lys; replaces glutamic acid 183 with lysine.
Molecular consequence: missense variant. On other transcripts: intron variant (2).
Genome position (GRCh38, 1-based): chr11:125,899,915, G>A. VCF-style: chr11-125899915-G-A. GRCh37 (hg19) VCF-style: chr11-125769810-G-A.
Other names: c.547G>A, p.Glu183Lys (NM_001377269.1, NM_001377270.1, NM_001424364.1 and 1 more transcripts); c.-247+3255C>T (NM_001271985.2); c.-47+3255C>T (NM_031307.4); short protein forms E183K.
Identifiers: ClinVar variation 992017 (VCV000992017.4), dbSNP rs374489253, ClinGen allele CA6350725.

ClinVar aggregate classification (germline): Uncertain significance. Review status: criteria provided, multiple submitters, no conflicts (2 of 4 stars). 3 submissions from 3 submitters: Uncertain significance (2). 1 of the submissions does not count toward it. Last evaluated 2025-12-08.

Conditions:
Hydrolethalus syndrome 1 (HLS1). Identifiers: Orphanet 2189, MedGen C1856016, MONDO:0009365, OMIM 236680.
Hydrolethalus syndrome. Identifiers: Orphanet 2189, MedGen C2931104, MONDO:0006037.

Allele frequency attached by ClinVar (database versions not stated): gnomAD exomes 0.00002 and 0.00005; gnomAD 0.00003 and 0.00004; ExAC 0.00004; TOPMed 0.00005; ESP Exome Variant Server 0.00008.
gnomAD v4.1: 31 of 1,614,016 alleles (0.0019%); highest among the groups gnomAD compares: Admixed American, 0.0083%; no homozygotes.

Submissions (3):

Labcorp Genetics (formerly Invitae), Labcorp
Classification: Uncertain significance. Last evaluated: 2025-12-08. Review status: criteria provided, single submitter. Criteria: Invitae Variant Classification Sherloc (09022015). Collection method: clinical testing. Allele origin: germline.
Comment: This sequence change replaces glutamic acid, which is acidic and polar, with lysine, which is basic and polar, at codon 183 of the HYLS1 protein (p.Glu183Lys). This variant is present in population databases (rs374489253, gnomAD 0.01%). This variant has not been reported in the literature in individuals affected with HYLS1-related conditions. ClinVar contains an entry for this variant (Variation ID: 992017). An algorithm developed to predict the effect of missense changes on protein structure and function (PolyPhen-2) suggests that this variant is likely to be disruptive. In summary, the available evidence is currently insufficient to determine the role of this variant in disease. Therefore, it has been classified as a Variant of Uncertain Significance.

Department of Pathology and Laboratory Medicine, Sinai Health System
Classification: Uncertain significance for Hydrolethalus syndrome 1. Last evaluated: 2020-06-29. Review status: criteria provided, single submitter. Criteria: ACMG Guidelines, 2015. Collection method: research. Allele origin: germline.

Natera, Inc.
Classification: Uncertain significance for Hydrolethalus syndrome. Last evaluated: 2020-04-13. Review status: no assertion criteria provided. Collection method: clinical testing. Allele origin: germline. Not counted in ClinVar's aggregate classification.